The following is an entry in ClinVar:

NM_199242.3(UNC13D):c.3037G>A (p.Asp1013Asn)

Gene: UNC13D (unc-13 homolog D; minus strand). Cytogenetic location: 17q25.1.
Variant type: single nucleotide variant.
Coding change: c.3037G>A on transcript NM_199242.3 (MANE Select); coding-DNA position 3037, G replaced by A.
Protein change: p.Asp1013Asn; replaces aspartic acid 1013 with asparagine.
Molecular consequence: missense variant.
Genome position (GRCh38, 1-based): chr17:75,828,901, C>T on the plus strand (G>A on the coding strand, the complement: UNC13D is on the minus strand). VCF-style: chr17-75828901-C-T. GRCh37 (hg19) VCF-style: chr17-73824982-C-T.
Other names: short protein forms D1013N.
Identifiers: ClinVar variation 1055150 (VCV001055150.6), dbSNP rs140837214, ClinGen allele CA8772297.

ClinVar aggregate classification (germline): Uncertain significance (1 of 4 stars; one submission).

Conditions:
Familial hemophagocytic lymphohistiocytosis 3 (FHL3). Also called: UNC13D-Related Familial Hemophagocytic Lymphohistiocytosis (UNC13D-fHLH). Identifiers: Orphanet 540, MedGen C1837174, MONDO:0012146, OMIM 608898.

Allele frequency attached by ClinVar (database versions not stated): gnomAD exomes 0.00001 and 0.00005; ExAC 0.00004; ESP Exome Variant Server 0.00008; TOPMed 0.00009; gnomAD 0.00011 and 0.00012.

Submission:

Labcorp Genetics (formerly Invitae), Labcorp
Classification: Uncertain significance for Familial hemophagocytic lymphohistiocytosis 3. Last evaluated: 2022-08-07. Review status: criteria provided, single submitter. Criteria: Invitae Variant Classification Sherloc (09022015). Collection method: clinical testing. Allele origin: germline.
Comment: This sequence change replaces aspartic acid, which is acidic and polar, with asparagine, which is neutral and polar, at codon 1013 of the UNC13D protein (p.Asp1013Asn). This variant is present in population databases (rs140837214, gnomAD 0.04%). This variant has not been reported in the literature in individuals affected with UNC13D-related conditions. ClinVar contains an entry for this variant (Variation ID: 1055150). Algorithms developed to predict the effect of missense changes on protein structure and function are either unavailable or do not agree on the potential impact of this missense change (SIFT: "Not Available"; PolyPhen-2: "Probably Damaging"; Align-GVGD: "Not Available"). In summary, the available evidence is currently insufficient to determine the role of this variant in disease. Therefore, it has been classified as a Variant of Uncertain Significance.